The following is an entry in ClinVar:

NM_001366521.1(ATP2B1):c.1627A>G (p.Asn543Asp)

Gene: ATP2B1 (ATPase plasma membrane Ca2+ transporting 1; minus strand). Cytogenetic location: 12q21.33.
Variant type: single nucleotide variant.
Coding change: c.1627A>G on transcript NM_001366521.1 (MANE Select); coding-DNA position 1627, A replaced by G.
Protein change: p.Asn543Asp; replaces asparagine 543 with aspartic acid.
Molecular consequence: missense variant. On other transcripts: non-coding transcript variant (3).
Genome position (GRCh38, 1-based): chr12:89,620,201, T>C on the plus strand (A>G on the coding strand, the complement: ATP2B1 is on the minus strand). VCF-style: chr12-89620201-T-C. GRCh37 (hg19) VCF-style: chr12-90013978-T-C.
Other names: c.1627A>G, p.Asn543Asp (NM_001001323.2, NM_001366520.1, NM_001366522.1 and 12 more transcripts); c.1429A>G, p.Asn477Asp (NM_001366530.1, NM_001413053.1); c.1066A>G, p.Asn356Asp (NM_001366531.1, NM_001366532.1, NM_001413058.1 and 2 more transcripts); c.1588A>G, p.Asn530Asp (NM_001413048.1); c.1486A>G, p.Asn496Asp (NM_001413051.1, NM_001413052.1, NM_001413055.1); c.1384A>G, p.Asn462Asp (NM_001413054.1); c.1372A>G, p.Asn458Asp (NM_001413056.1); c.1174A>G, p.Asn392Asp (NM_001413057.1); short protein forms N356D, N392D, N458D, N462D, N477D, N496D, N530D, N543D.
Identifiers: ClinVar variation 3373009 (VCV003373009.1).

ClinVar aggregate classification (germline): Uncertain significance (1 of 4 stars; one submission).

gnomAD v4.1: 5 of 1,614,106 alleles (0.00031%); highest among the groups gnomAD compares: Non-Finnish European, 0.00034%; no homozygotes.

Submission:

GeneDx
Classification: Uncertain significance. Last evaluated: 2024-04-26. Review status: criteria provided, single submitter. Criteria: GeneDx Variant Classification Process June 2021. Collection method: clinical testing. Allele origin: germline. Affected: yes.
Comment: Not observed at significant frequency in large population cohorts (gnomAD); In silico analysis supports that this missense variant has a deleterious effect on protein structure/function; Has not been previously published as pathogenic or benign to our knowledge